The following is an entry in ClinVar:

NM_005236.3(ERCC4):c.2074C>T (p.Arg692Ter)

Gene: ERCC4 (ERCC excision repair 4, endonuclease catalytic subunit; plus strand). Cytogenetic location: 16p13.12.
Variant type: single nucleotide variant.
Coding change: c.2074C>T on transcript NM_005236.3 (MANE Select); coding-DNA position 2074, C replaced by T.
Protein change: p.Arg692Ter; replaces arginine 692 with a stop codon.
Molecular consequence: nonsense.
Genome position (GRCh38, 1-based): chr16:13,947,670, C>T. VCF-style: chr16-13947670-C-T. GRCh37 (hg19) VCF-style: chr16-14041527-C-T.
Other names: short protein forms R692*.
Identifiers: ClinVar variation 4783221 (VCV004783221.1).

ClinVar aggregate classification (germline): Pathogenic (1 of 4 stars; one submission).

Conditions:
Xeroderma pigmentosum, group F (XPF). Also called: ERCC4-Related Xeroderma Pigmentosum; XERODERMA PIGMENTOSUM, COMPLEMENTATION GROUP F; XERODERMA PIGMENTOSUM, TYPE F; Xeroderma pigmentosum, type 6; XERODERMA PIGMENTOSUM VI; XP, GROUP F. Identifiers: MedGen C0268140, MONDO:0010215, OMIM 278760.
Cockayne syndrome. Identifiers: Orphanet 191, MedGen C0009207, MONDO:0016006.
Fanconi anemia complementation group Q. Identifiers: Orphanet 84, MedGen C3808988, MONDO:0014108, OMIM 615272.

gnomAD v4.1: 3 of 1,614,056 alleles (0.00019%); highest among the groups gnomAD compares: Non-Finnish European, 0.00017%; no homozygotes.

Submission:

Labcorp Genetics (formerly Invitae), Labcorp
Classification: Pathogenic for Fanconi anemia complementation group Q; Xeroderma pigmentosum, group F; Cockayne syndrome. Last evaluated: 2025-12-13. Review status: criteria provided, single submitter. Criteria: Invitae Variant Classification Sherloc (09022015). Collection method: clinical testing. Allele origin: germline.
Comment: This sequence change creates a premature translational stop signal (p.Arg692*) in the ERCC4 gene. While this is not anticipated to result in nonsense mediated decay, it is expected to disrupt the last 225 amino acid(s) of the ERCC4 protein. This variant is present in population databases (rs756155469, gnomAD 0.002%). This variant has not been reported in the literature in individuals affected with ERCC4-related conditions. This variant disrupts a region of the ERCC4 protein in which other variant(s) (p.Arg799Trp) have been determined to be pathogenic (PMID: 9579555, 20221251, 21612988, 29403087, 29892709). This suggests that this is a clinically significant region of the protein, and that variants that disrupt it are likely to be disease-causing. For these reasons, this variant has been classified as Pathogenic.

Literature cited by the submitters: PubMed 9579555; PubMed 20221251; PubMed 21612988; PubMed 29403087; PubMed 29892709.